The following is an entry in ClinVar:

ClinVar aggregate classification (germline): Conflicting classifications of pathogenicity. Review status: criteria provided, conflicting classifications (1 of 4 stars). 5 submissions from 2 submitters: Pathogenic (4); Uncertain significance (1). Last evaluated 2023-01-20.

Conditions:
Seizures, benign familial infantile, 5 (BFIS5). Also called: CONVULSIONS, BENIGN FAMILIAL INFANTILE, 5. Identifiers: Orphanet 306, MedGen C4310728, MONDO:0014903, OMIM 617080.
Cognitive impairment with or without cerebellar ataxia (CIAT). Identifiers: MedGen C3280415, MONDO:0013680, OMIM 614306.
Myoclonus, familial, 2. Identifiers: MedGen C5193056, MONDO:0100092, OMIM 618364.
Early-infantile DEE. Also called: Early infantile epileptic encephalopathy with suppression bursts; Early infantile epileptic encephalopathy; Ohtahara syndrome. Identifiers: Orphanet 1934, MedGen C0393706, MONDO:0800491.
Developmental and epileptic encephalopathy, 13 (DEE13). Also called: Early infantile epileptic encephalopathy 13; Developmental and Epileptic Encephalopathy (SCN8A-DEE); SCN8A-Related Epilepsy. Identifiers: Orphanet 442835, MedGen C3281191, MONDO:0013801, OMIM 614558.

Submissions (5):

Baylor Genetics
Classification: Pathogenic for Developmental and epileptic encephalopathy, 13. Last evaluated: 2023-01-20. Review status: criteria provided, single submitter. Criteria: ACMG Guidelines, 2015. Collection method: clinical testing. Allele origin: unknown.

Baylor Genetics
Classification: Pathogenic for Cognitive impairment with or without cerebellar ataxia. Last evaluated: 2023-01-20. Review status: criteria provided, single submitter. Criteria: ACMG Guidelines, 2015. Collection method: clinical testing. Allele origin: unknown.

Baylor Genetics
Classification: Pathogenic for Seizures, benign familial infantile, 5. Last evaluated: 2023-01-20. Review status: criteria provided, single submitter. Criteria: ACMG Guidelines, 2015. Collection method: clinical testing. Allele origin: unknown.

Baylor Genetics
Classification: Pathogenic for Myoclonus, familial, 2. Last evaluated: 2023-01-20. Review status: criteria provided, single submitter. Criteria: ACMG Guidelines, 2015. Collection method: clinical testing. Allele origin: unknown.

Labcorp Genetics (formerly Invitae), Labcorp
Classification: Uncertain significance for Early-infantile DEE. Last evaluated: 2020-01-29. Review status: criteria provided, single submitter. Criteria: Invitae Variant Classification Sherloc (09022015). Collection method: clinical testing. Allele origin: germline.
Comment: This variant is not present in population databases (ExAC no frequency). In summary, the available evidence is currently insufficient to determine the role of this variant in disease. Therefore, it has been classified as a Variant of Uncertain Significance. Algorithms developed to predict the effect of missense changes on protein structure and function are either unavailable or do not agree on the potential impact of this missense change (SIFT: "Deleterious"; PolyPhen-2: "Probably Damaging"; Align-GVGD: "Class C0"). This variant has not been reported in the literature in individuals with SCN8A-related conditions. This sequence change replaces asparagine with lysine at codon 995 of the SCN8A protein (p.Asn995Lys). The asparagine residue is highly conserved and there is a moderate physicochemical difference between asparagine and lysine.

NM_001330260.2(SCN8A):c.2985C>A (p.Asn995Lys)

Gene: SCN8A (sodium voltage-gated channel alpha subunit 8; plus strand). Cytogenetic location: 12q13.13.
Variant type: single nucleotide variant.
Coding change: c.2985C>A on transcript NM_001330260.2 (MANE Select); coding-DNA position 2985, C replaced by A.
Protein change: p.Asn995Lys; replaces asparagine 995 with lysine.
Molecular consequence: missense variant.
Genome position (GRCh38, 1-based): chr12:51,768,948, C>A. VCF-style: chr12-51768948-C-A. GRCh37 (hg19) VCF-style: chr12-52162732-C-A.
Other names: c.2985C>A, p.Asn995Lys (NM_001177984.3, NM_001369788.1, NM_014191.4); short protein forms N995K.
Identifiers: ClinVar variation 1016014 (VCV001016014.14), dbSNP rs1942879102, ClinGen allele CA384892045.
Genomic context (GRCh38, chr12:51,768,948, plus strand): 5'-GCTCCTGAGCTCCTTCAGTGCAGACAACCTGGCTGCCACAGATGACGATGGGGAAATGAA[C>A]AACCTCCAGATCTCAGTGATCCGTATCAAGAAGGGTGTGGCCTGGACCAAACTAAAGGTG-3'
Protein context (NP_001317189.1, residues 985-1005): LAATDDDGEM[Asn995Lys]NLQISVIRIK